The following is an entry in ClinVar:

ClinVar aggregate classification (germline): Uncertain significance. Review status: criteria provided, multiple submitters, no conflicts (2 of 4 stars). 2 submissions from 2 submitters: Uncertain significance (2). Last evaluated 2023-10-30.

Conditions:
RYR1-related disorder. Also called: RYR1-related disorders; RYR1-related condition. Identifiers: MedGen CN239331.
Malignant hyperthermia, susceptibility to, 1 (MHS1). Also called: RYR1-Related Malignant Hyperthermia Susceptibility; Anesthesia related hyperthermia; Malignant hyperpyrexia; Fulminating hyperpyrexia; Pharmacogenic myopathy; Malignant hyperthermia suceptibility 1. Identifiers: Orphanet 423, MedGen C2930980, MONDO:0007783, OMIM 145600.

Allele frequency attached by ClinVar (database versions not stated): gnomAD exomes below 0.00001.
gnomAD v4.1: 2 of 1,586,236 alleles (0.00013%); highest among the groups gnomAD compares: Non-Finnish European, 0.000086%; no homozygotes.

Submissions (2):

All of Us Research Program, National Institutes of Health
Classification: Uncertain significance for Malignant hyperthermia, susceptibility to, 1. Last evaluated: 2023-10-30. Review status: criteria provided, single submitter. Criteria: ACMG Guidelines, 2015. Collection method: clinical testing. Allele origin: germline. Inheritance: Autosomal dominant inheritance. Observed: 1 variant allele, 1 heterozygote.
Comment: This study involves interpretation of variants in research participants for the purpose of population health screening. Participant phenotype was not available at the time of variant classification. Additional details can be found in publication PMID: 35346344, PMCID: PMC8962531

Labcorp Genetics (formerly Invitae), Labcorp
Classification: Uncertain significance for RYR1-related disorder. Last evaluated: 2021-09-10. Review status: criteria provided, single submitter. Criteria: Invitae Variant Classification Sherloc (09022015). Collection method: clinical testing. Allele origin: germline.
Comment: This sequence change replaces alanine with valine at codon 3228 of the RYR1 protein (p.Ala3228Val). The alanine residue is highly conserved and there is a small physicochemical difference between alanine and valine. This variant is not present in population databases (ExAC no frequency). This missense change has been observed in individual(s) with clinical features of congenital myopathy (Invitae). In at least one individual the data is consistent with the variant being in trans (on the opposite chromosome) from a pathogenic variant. It has also been observed to segregate with disease in related individuals. ClinVar contains an entry for this variant (Variation ID: 1003821). Algorithms developed to predict the effect of missense changes on protein structure and function are either unavailable or do not agree on the potential impact of this missense change (SIFT: "Deleterious"; PolyPhen-2: "Benign"; Align-GVGD: "Class C0"). Algorithms developed to predict the effect of sequence changes on RNA splicing suggest that this variant may create or strengthen a splice site. In summary, the available evidence is currently insufficient to determine the role of this variant in disease. Therefore, it has been classified as a Variant of Uncertain Significance.

NM_000540.3(RYR1):c.9683C>T (p.Ala3228Val)

Gene: RYR1 (ryanodine receptor 1; plus strand). Cytogenetic location: 19q13.2.
Variant type: single nucleotide variant.
Coding change: c.9683C>T on transcript NM_000540.3 (MANE Select); coding-DNA position 9683, C replaced by T.
Protein change: p.Ala3228Val; replaces alanine 3228 with valine.
Molecular consequence: missense variant.
Genome position (GRCh38, 1-based): chr19:38,516,215, C>T. VCF-style: chr19-38516215-C-T. GRCh37 (hg19) VCF-style: chr19-39006855-C-T.
Other names: c.9683C>T, p.Ala3228Val (NM_001042723.2); short protein forms A3228V.
Identifiers: ClinVar variation 1003821 (VCV001003821.7), dbSNP rs1335263831, ClinGen allele CA405691011.